The following is an entry in ClinVar:

NM_007194.4(CHEK2):c.631G>T (p.Val211Phe)

Gene: CHEK2 (checkpoint kinase 2; minus strand). Cytogenetic location: 22q12.1.
Variant type: single nucleotide variant.
Coding change: c.631G>T on transcript NM_007194.4 (MANE Select); coding-DNA position 631, G replaced by T.
Protein change: p.Val211Phe; replaces valine 211 with phenylalanine.
Molecular consequence: missense variant. On other transcripts: 5 prime UTR variant (2), intron variant (1).
Genome position (GRCh38, 1-based): chr22:28,719,447, C>A on the plus strand (G>T on the coding strand, the complement: CHEK2 is on the minus strand). VCF-style: chr22-28719447-C-A. GRCh37 (hg19) VCF-style: chr22-29115435-C-A.
Other names: c.760G>T, p.Val254Phe (NM_001005735.3, NM_001438294.1); c.-33G>T (NM_001257387.3, NM_001437942.1); c.724G>T, p.Val242Phe (NM_001438293.1, NM_001438295.1); c.631G>T, p.Val211Phe (NM_145862.3); c.482+5439G>T (NM_001349956.3); short protein forms V211F, V254F, V242F.
Identifiers: ClinVar variation 410016 (VCV000410016.9), dbSNP rs1060502692, ClinGen allele CA16616570.
Genomic context (GRCh38, chr22:28,719,447, plus strand): 5'-TAATTTACCTTCCAAGAGTTTTTGACATGATGTATTCATCTCTTAATGCCTTAGGATAAA[C>A]TGACTGATCATCTACAGTCAGATCAAAAAAGACAAAAACTAAGGAAGAAAAGAGTAGAAA-3'
Protein context (NP_009125.1, residues 201-221): FFDLTVDDQS[Val211Phe]YPKALRDEYI

ClinVar aggregate classification (germline): Uncertain significance. Review status: criteria provided, multiple submitters, no conflicts (2 of 4 stars). 2 submissions from 2 submitters: Uncertain significance (2). Last evaluated 2022-04-26.

Conditions:
Familial cancer of breast. Also called: BREAST CANCER, FAMILIAL; Hereditary breast cancer; hereditary breast carcinoma. Identifiers: Orphanet 227535, MedGen C0346153, MONDO:0016419, OMIM 114480. Disease mechanism: loss of function.
Hereditary cancer-predisposing syndrome. Also called: Tumor predisposition; Hereditary Cancer Syndrome; Hereditary neoplastic syndrome; Neoplastic Syndromes, Hereditary. Identifiers: Orphanet 140162, MedGen C0027672, MeSH D009386, MONDO:0015356.

Submissions (2):

Ambry Genetics
Classification: Uncertain significance for Hereditary cancer-predisposing syndrome. Last evaluated: 2022-04-26. Review status: criteria provided, single submitter. Criteria: Ambry Variant Classification Scheme 2023. Collection method: clinical testing. Allele origin: germline.
Comment: The p.V211F variant (also known as c.631G>T), located in coding exon 4 of the CHEK2 gene, results from a G to T substitution at nucleotide position 631. The valine at codon 211 is replaced by phenylalanine, an amino acid with highly similar properties. This amino acid position is conserved. In addition, this alteration is predicted to be tolerated by in silico analysis. Since supporting evidence is limited at this time, the clinical significance of this alteration remains unclear.

Labcorp Genetics (formerly Invitae), Labcorp
Classification: Uncertain significance for Familial cancer of breast. Last evaluated: 2021-08-30. Review status: criteria provided, single submitter. Criteria: Invitae Variant Classification Sherloc (09022015). Collection method: clinical testing. Allele origin: germline.
Comment: This sequence change replaces valine with phenylalanine at codon 211 of the CHEK2 protein (p.Val211Phe). The valine residue is moderately conserved and there is a small physicochemical difference between valine and phenylalanine. This variant is not present in population databases (ExAC no frequency). This variant has not been reported in the literature in individuals affected with CHEK2-related conditions. Algorithms developed to predict the effect of missense changes on protein structure and function are either unavailable or do not agree on the potential impact of this missense change (SIFT: "Deleterious"; PolyPhen-2: "Benign"; Align-GVGD: "Class C0"). In summary, the available evidence is currently insufficient to determine the role of this variant in disease. Therefore, it has been classified as a Variant of Uncertain Significance.